The following is an entry in ClinVar:

NM_000393.5(COL5A2):c.437G>C (p.Arg146Pro)

Gene: COL5A2 (collagen type V alpha 2 chain; minus strand). Cytogenetic location: 2q32.2.
Variant type: single nucleotide variant.
Coding change: c.437G>C on transcript NM_000393.5 (MANE Select); coding-DNA position 437, G replaced by C.
Protein change: p.Arg146Pro; replaces arginine 146 with proline.
Molecular consequence: missense variant.
Genome position (GRCh38, 1-based): chr2:189,097,296, C>G on the plus strand (G>C on the coding strand, the complement: COL5A2 is on the minus strand). VCF-style: chr2-189097296-C-G. GRCh37 (hg19) VCF-style: chr2-189962022-C-G.
Other names: short protein forms R146P.
Identifiers: ClinVar variation 999414 (VCV000999414.48), dbSNP rs144430633, ClinGen allele CA349862752.
Genomic context (GRCh38, chr2:189,097,296, plus strand): 5'-TGGCTGTACGTTCCCCACAAGGAGCCCTCCTGTCAACTTACAGGTCTTCCTTTTGGCCCT[C>G]GCTCTCCTCTTGGTCCCTGTGATCCTGGAGGTCCCTAAAACAGAAAATGATGATTATGCA-3'
Protein context (NP_000384.2, residues 136-156): PPGSQGPRGE[Arg146Pro]GPKGRPGPRG

ClinVar aggregate classification (germline): Uncertain significance (1 of 4 stars; one submission).

Conditions:
Ehlers-Danlos syndrome, classic type, 1 (EDSCL1). Also called: EHLERS-DANLOS SYNDROME, GRAVIS TYPE; EHLERS-DANLOS SYNDROME, SEVERE CLASSIC TYPE; EDS I; Ehlers-Danlos Syndrome, Classic Type, COL5A1-Related; Ehlers-Danlos syndrome, type 1. Identifiers: MedGen C0268335, MONDO:0019567, OMIM 130000.

Submission:

Labcorp Genetics (formerly Invitae), Labcorp
Classification: Uncertain significance for Ehlers-Danlos syndrome, classic type, 1. Last evaluated: 2020-02-18. Review status: criteria provided, single submitter. Criteria: Invitae Variant Classification Sherloc (09022015). Collection method: clinical testing. Allele origin: germline.
Comment: In summary, the available evidence is currently insufficient to determine the role of this variant in disease. Therefore, it has been classified as a Variant of Uncertain Significance. Algorithms developed to predict the effect of missense changes on protein structure and function (SIFT, PolyPhen-2, Align-GVGD) all suggest that this variant is likely to be disruptive, but these predictions have not been confirmed by published functional studies and their clinical significance is uncertain. This variant has not been reported in the literature in individuals with COL5A2-related conditions. This variant is not present in population databases (ExAC no frequency). This sequence change replaces arginine with proline at codon 146 of the COL5A2 protein (p.Arg146Pro). The arginine residue is highly conserved and there is a moderate physicochemical difference between arginine and proline.